The following is an entry in ClinVar:

NM_020975.6(RET):c.2313C>G (p.Asp771Glu)

Gene: RET (ret proto-oncogene; plus strand). Cytogenetic location: 10q11.21.
Variant type: single nucleotide variant.
Coding change: c.2313C>G on transcript NM_020975.6 (MANE Select); coding-DNA position 2313, C replaced by G.
Protein change: p.Asp771Glu; replaces aspartic acid 771 with glutamic acid.
Molecular consequence: missense variant.
Genome position (GRCh38, 1-based): chr10:43,118,401, C>G. VCF-style: chr10-43118401-C-G. GRCh37 (hg19) VCF-style: chr10-43613849-C-G.
Other names: c.2313C>G, p.Asp771Glu (NM_020630.7, NM_000323.2, NM_001406743.1 and 4 more transcripts); c.1551C>G, p.Asp517Glu (NM_001355216.2); c.2184C>G, p.Asp728Glu (NM_001406761.1, NM_001406762.1, NM_001406764.1); c.2178C>G, p.Asp726Glu (NM_001406763.1, NM_001406765.1); c.2025C>G, p.Asp675Glu (NM_001406766.1, NM_001406767.1, NM_001406770.1); c.2049C>G, p.Asp683Glu (NM_001406768.1); c.1917C>G, p.Asp639Glu (NM_001406769.1, NM_001406772.1); c.1875C>G, p.Asp625Glu (NM_001406771.1, NM_001406773.1); and 10 more; short protein forms D517E, D771E, D336E, D675E, D726E, D376E, D432E, D472E.
Identifiers: ClinVar variation 930672 (VCV000930672.5), dbSNP rs1838123343, ClinGen allele CA376555633.

ClinVar aggregate classification (germline): Uncertain significance (1 of 4 stars; one submission).

Conditions:
Multiple endocrine neoplasia type 2B. Also called: Multiple endocrine neoplasia, type 3; MULTIPLE ENDOCRINE NEOPLASIA, TYPE IIB; MEN IIB; NEUROMATA, MUCOSAL, WITH ENDOCRINE TUMORS; WAGENMANN-FROBOESE SYNDROME; MULTIPLE ENDOCRINE NEOPLASIA, TYPE III. Identifiers: Orphanet 247709, Orphanet 653, MedGen C0025269, MeSH D018814, MONDO:0008082, OMIM 162300.

Submission:

Centre for Mendelian Genomics, University Medical Centre Ljubljana
Classification: Uncertain significance for Multiple endocrine neoplasia type 2B. Last evaluated: 2019-11-20. Review status: criteria provided, single submitter. Criteria: ACMG Guidelines, 2015. Collection method: clinical testing. Allele origin: unknown. Affected: yes.
Comment: This variant was classified as: Uncertain significance. The available evidence favors the pathogenic nature of this variant, however the currently available data is insufficient to conclusively support its pathogenic nature. Thus this variant is classified as Uncertain significance - favor pathogenic. The following ACMG criteria were applied in classifying this variant: PM2,PP3,PP4.